The following is an entry in ClinVar:

NM_004082.5(DCTN1):c.3328G>A (p.Glu1110Lys)

Gene: DCTN1 (dynactin subunit 1; minus strand). Cytogenetic location: 2p13.1.
Variant type: single nucleotide variant.
Coding change: c.3328G>A on transcript NM_004082.5 (MANE Select); coding-DNA position 3328, G replaced by A.
Protein change: p.Glu1110Lys; replaces glutamic acid 1110 with lysine.
Molecular consequence: missense variant. On other transcripts: non-coding transcript variant (1).
Genome position (GRCh38, 1-based): chr2:74,363,311, C>T on the plus strand (G>A on the coding strand, the complement: DCTN1 is on the minus strand). VCF-style: chr2-74363311-C-T. GRCh37 (hg19) VCF-style: chr2-74590438-C-T.
Other names: c.3253G>A, p.Glu1085Lys (NM_001135040.3); c.2911G>A, p.Glu971Lys (NM_001135041.3); c.3202G>A, p.Glu1068Lys (NM_001190836.2); c.3307G>A, p.Glu1103Lys (NM_001190837.2); c.3277G>A, p.Glu1093Lys (NM_001378991.1); c.3259G>A, p.Glu1087Lys (NM_001378992.1); c.2926G>A, p.Glu976Lys (NM_023019.4); short protein forms E971K, E1103K, E976K, E1068K, E1085K, E1087K, E1110K, E1093K.
Identifiers: ClinVar variation 958903 (VCV000958903.10), dbSNP rs765267495, ClinGen allele CA1721521.
Genomic context (GRCh38, chr2:74,363,311, plus strand): 5'-TATGCTCCATCTCCCATCCCAGTCCTCCCCGTGGCTCCCTCACCTTGAGGATGCTGTTCT[C>T]ATGCTGGAGCTGGGAGATGTGCAGCCTCATGGCAGAGATCTGCTGAAGCAGCAGTGGTGA-3'
Protein context (NP_004073.2, residues 1100-1120): MRLHISQLQH[Glu1110Lys]NSILKGAQMK

ClinVar aggregate classification (germline): Uncertain significance (1 of 4 stars; one submission).

Conditions:
Amyotrophic lateral sclerosis type 1 (ALS1). Also called: AMYOTROPHIC LATERAL SCLEROSIS 1, FAMILIAL. Identifiers: Orphanet 803, MedGen C1862939, MONDO:0007103, OMIM 105400.
Perry syndrome. Also called: PARKINSONISM WITH ALVEOLAR HYPOVENTILATION AND MENTAL DEPRESSION. Identifiers: Orphanet 178509, MedGen C1868594, MONDO:0008201, OMIM 168605.
Neuronopathy, distal hereditary motor, type 7B. Also called: NEURONOPATHY, DISTAL HEREDITARY MOTOR, AUTOSOMAL DOMINANT 14; NEURONOPATHY, DISTAL HEREDITARY MOTOR, HARDING TYPE VIIB; NEUROPATHY, DISTAL HEREDITARY MOTOR, HARDING TYPE VIIB; NEUROPATHY, DISTAL HEREDITARY MOTOR, WITH VOCAL CORD PARALYSIS, HARDING TYPE VIIB; HMN VIIB; LOWER MOTOR NEURON DISEASE, DYNACTIN TYPE. Identifiers: Orphanet 139589, MedGen C1843315, MONDO:0011879, OMIM 607641.

Allele frequency attached by ClinVar (database versions not stated): gnomAD exomes below 0.00001; ExAC 0.00001.

Submission:

Labcorp Genetics (formerly Invitae), Labcorp
Classification: Uncertain significance for Amyotrophic lateral sclerosis type 1; Neuronopathy, distal hereditary motor, type 7B; Perry syndrome. Last evaluated: 2019-09-12. Review status: criteria provided, single submitter. Criteria: Invitae Variant Classification Sherloc (09022015). Collection method: clinical testing. Allele origin: germline.
Comment: This variant has not been reported in the literature in individuals with DCTN1-related conditions. This variant is present in population databases (rs765267495, ExAC 0.002%). This sequence change replaces glutamic acid with lysine at codon 1110 of the DCTN1 protein (p.Glu1110Lys). The glutamic acid residue is highly conserved and there is a small physicochemical difference between glutamic acid and lysine. Algorithms developed to predict the effect of missense changes on protein structure and function (SIFT, PolyPhen-2, Align-GVGD) all suggest that this variant is likely to be disruptive, but these predictions have not been confirmed by published functional studies and their clinical significance is uncertain. In summary, the available evidence is currently insufficient to determine the role of this variant in disease. Therefore, it has been classified as a Variant of Uncertain Significance.